The following is an entry in ClinVar:

NM_000430.4(PAFAH1B1):c.154del (p.Glu52fs)

Gene: PAFAH1B1 (platelet activating factor acetylhydrolase 1b regulatory subunit 1; plus strand). Cytogenetic location: 17p13.3.
Variant type: Deletion.
Coding change: c.154del on transcript NM_000430.4 (MANE Select); coding-DNA position 154, one base deleted (G; older notation c.154delG).
Protein change: p.Glu52fs; shifts the reading frame from glutamic acid 52.
Molecular consequence: frameshift variant.
Genome position (GRCh38, 1-based): chr17:2,666,052, G deleted; the last of 2 consecutive G bases (chr17:2,666,051-2,666,052); deleting either gives the same sequence. VCF-style (leftmost placement, unchanged base first): chr17-2666050-TG-T. GRCh37 (hg19) VCF-style: chr17-2569344-TG-T.
Other names: short protein forms E52fs.
Identifiers: ClinVar variation 2004998 (VCV002004998.4), dbSNP rs2069103320, ClinGen allele CA2580092474.

ClinVar aggregate classification (germline): Pathogenic (1 of 4 stars; one submission).

Submission:

Labcorp Genetics (formerly Invitae), Labcorp
Classification: Pathogenic. Last evaluated: 2022-06-12. Review status: criteria provided, single submitter. Criteria: Invitae Variant Classification Sherloc (09022015). Collection method: clinical testing. Allele origin: germline.
Comment: For these reasons, this variant has been classified as Pathogenic. This variant has not been reported in the literature in individuals affected with PAFAH1B1-related conditions. This variant is not present in population databases (gnomAD no frequency). This sequence change creates a premature translational stop signal (p.Glu52Lysfs*17) in the PAFAH1B1 gene. It is expected to result in an absent or disrupted protein product. Loss-of-function variants in PAFAH1B1 are known to be pathogenic (PMID: 1671808, 11115846, 14581661).

Literature cited by the submitters: PubMed 1671808; PubMed 11115846; PubMed 14581661.